The following is an entry in ClinVar:

ClinVar aggregate classification (germline): Uncertain significance. Review status: criteria provided, multiple submitters, no conflicts (2 of 4 stars). 3 submissions from 3 submitters: Uncertain significance (3). Last evaluated 2025-12-10.

Conditions:
Neuroblastoma, susceptibility to, 3. Also called: ALK-Related Neuroblastic Tumor Susceptibility. Identifiers: Orphanet 635, MedGen C2751681, MONDO:0013083, OMIM 613014.
Hereditary cancer-predisposing syndrome. Also called: Hereditary Cancer Syndrome; Tumor predisposition; Hereditary neoplastic syndrome; Neoplastic Syndromes, Hereditary. Identifiers: Orphanet 140162, MedGen C0027672, MeSH D009386, MONDO:0015356.

gnomAD v4.1: 11 of 1,613,974 alleles (0.00068%); highest among the groups gnomAD compares: Non-Finnish European, 0.00068%; no homozygotes.

Submissions (3):

Labcorp Genetics (formerly Invitae), Labcorp
Classification: Uncertain significance for Neuroblastoma, susceptibility to, 3. Last evaluated: 2025-12-10. Review status: criteria provided, single submitter. Criteria: Invitae Variant Classification Sherloc (09022015). Collection method: clinical testing. Allele origin: germline.
Comment: This sequence change replaces arginine, which is basic and polar, with serine, which is neutral and polar, at codon 395 of the ALK protein (p.Arg395Ser). This variant is present in population databases (no rsID available, gnomAD 0.002%). This variant has not been reported in the literature in individuals affected with ALK-related conditions. ClinVar contains an entry for this variant (Variation ID: 1051537). An algorithm developed to predict the effect of missense changes on protein structure and function (PolyPhen-2) suggests that this variant is likely to be disruptive. In summary, the available evidence is currently insufficient to determine the role of this variant in disease. Therefore, it has been classified as a Variant of Uncertain Significance.

Ambry Genetics
Classification: Uncertain significance for Hereditary cancer-predisposing syndrome. Last evaluated: 2024-09-05. Review status: criteria provided, single submitter. Criteria: Ambry Variant Classification Scheme 2023. Collection method: clinical testing. Allele origin: germline.
Comment: The p.R395S variant (also known as c.1183C>A), located in coding exon 5 of the ALK gene, results from a C to A substitution at nucleotide position 1183. The arginine at codon 395 is replaced by serine, an amino acid with dissimilar properties. This amino acid position is conserved. In addition, this alteration is predicted to be tolerated by in silico analysis. Since supporting evidence is limited at this time, the clinical significance of this alteration remains unclear.

Baylor Genetics
Classification: Uncertain significance for Neuroblastoma, susceptibility to, 3. Last evaluated: 2023-10-03. Review status: criteria provided, single submitter. Criteria: ACMG Guidelines, 2015. Collection method: clinical testing. Allele origin: unknown.

NM_004304.5(ALK):c.1183C>A (p.Arg395Ser)

Gene: ALK (ALK receptor tyrosine kinase; minus strand). Cytogenetic location: 2p23.2.
Variant type: single nucleotide variant.
Coding change: c.1183C>A on transcript NM_004304.5 (MANE Select); coding-DNA position 1183, C replaced by A.
Protein change: p.Arg395Ser; replaces arginine 395 with serine.
Molecular consequence: missense variant.
Genome position (GRCh38, 1-based): chr2:29,383,831, G>T on the plus strand (C>A on the coding strand, the complement: ALK is on the minus strand). VCF-style: chr2-29383831-G-T. GRCh37 (hg19) VCF-style: chr2-29606697-G-T.
Other names: short protein forms R395S.
Identifiers: ClinVar variation 1051537 (VCV001051537.13), dbSNP rs779282861, ClinGen allele CA346585427.